The following is an entry in ClinVar:

NM_001378454.1(ALMS1):c.2937G>C (p.Leu979=)

Gene: ALMS1 (ALMS1 centrosome and basal body associated protein; plus strand). Cytogenetic location: 2p13.1.
Variant type: single nucleotide variant.
Coding change: c.2937G>C on transcript NM_001378454.1 (MANE Select); coding-DNA position 2937, G replaced by C.
Protein change: p.Leu979=; no amino-acid change (leucine 979 retained).
Molecular consequence: synonymous variant.
Genome position (GRCh38, 1-based): chr2:73,449,464, G>C. VCF-style: chr2-73449464-G-C. GRCh37 (hg19) VCF-style: chr2-73676591-G-C.
Other names: c.2940G>C, p.Leu980= (NM_015120.4).
Identifiers: ClinVar variation 4999340 (VCV004999340.1).

ClinVar aggregate classification (germline): Uncertain significance (1 of 4 stars; one submission).

Conditions:
ALMS1-related disorder. Also called: ALMS1-related condition.

Submission:

PreventionGenetics, part of Exact Sciences
Classification: Uncertain significance for ALMS1-related condition. Last evaluated: 2024-11-05. Review status: criteria provided, single submitter. Criteria: ACMG Guidelines, 2015. Collection method: clinical testing. Allele origin: germline.
Comment: The ALMS1 c.2940G>C variant is predicted to result in the amino acid substitution p.Met980Ile. To our knowledge, this variant has not been reported in the literature. This variant is reported in 0.0083% of alleles in individuals of African descent in gnomAD. At this time, the clinical significance of this variant is uncertain due to the absence of conclusive functional and genetic evidence.